The following is an entry in ClinVar:

ClinVar aggregate classification (germline): Uncertain significance. Review status: criteria provided, multiple submitters, no conflicts (2 of 4 stars). 2 submissions from 2 submitters: Uncertain significance (2). Last evaluated 2024-09-08.

Conditions:
Bronchiectasis with or without elevated sweat chloride 2 (BESC2). Identifiers: Orphanet 60033, MedGen C2751666, MONDO:0013087, OMIM 613021.
Inborn genetic diseases. Identifiers: MedGen C0950123, MeSH D030342.

Allele frequency attached by ClinVar (database versions not stated): gnomAD 0.00001; ExAC 0.00003; TOPMed 0.00007; 1000 Genomes Project 0.00020; 1000 Genomes Project 30x 0.00031.
gnomAD v4.1: 23 of 1,613,592 alleles (0.0014%); highest among the groups gnomAD compares: Admixed American, 0.017%; no homozygotes.

Submissions (2):

Ambry Genetics
Classification: Uncertain significance for Inborn genetic diseases. Last evaluated: 2024-09-08. Review status: criteria provided, single submitter. Criteria: Ambry Variant Classification Scheme 2023. Collection method: clinical testing. Allele origin: germline.

Johns Hopkins Genomics, Johns Hopkins University
Classification: Uncertain significance for Bronchiectasis with or without elevated sweat chloride 2. Last evaluated: 2023-05-25. Review status: criteria provided, single submitter. Criteria: ACMG Guidelines, 2015. Collection method: clinical testing. Allele origin: germline.
Comment: This SCNN1A missense variant (rs200068111) is rare (<0.1%) in a large population dataset (gnomAD v2.1.1: 12/250442 total alleles; 0.005%; no homozygotes). It has not been reported in ClinVar, nor the literature, to our knowledge. Of two bioinformatics tools queried, one predicts that the substitution would be damaging, while the other predicts that it would be tolerated, but these algorithms have low specificity, especially for predicting gain of function variants. The glutamic acid residue at this position is evolutionarily conserved across many of the species assessed, but some species have a different amino acid including two species with glutamine. We consider the clinical significance of c.133G>C in SCNN1A to be uncertain at this time.

NM_001038.6(SCNN1A):c.133G>C (p.Glu45Gln)

Gene: SCNN1A (sodium channel epithelial 1 subunit alpha; minus strand). Cytogenetic location: 12p13.31.
Variant type: single nucleotide variant.
Coding change: c.133G>C on transcript NM_001038.6 (MANE Select); coding-DNA position 133, G replaced by C.
Protein change: p.Glu45Gln; replaces glutamic acid 45 with glutamine.
Molecular consequence: missense variant.
Genome position (GRCh38, 1-based): chr12:6,374,651, C>G on the plus strand (G>C on the coding strand, the complement: SCNN1A is on the minus strand). VCF-style: chr12-6374651-C-G. GRCh37 (hg19) VCF-style: chr12-6483817-C-G.
Other names: c.202G>C, p.Glu68Gln (NM_001159575.2); c.310G>C, p.Glu104Gln (NM_001159576.2); c.133G>C (NM_001038.5); short protein forms E104Q, E45Q, E68Q.
Identifiers: ClinVar variation 2575226 (VCV002575226.3), dbSNP rs200068111, ClinGen allele CA6406295.